The following is an entry in ClinVar:

NM_002734.5(PRKAR1A):c.670T>C (p.Trp224Arg)

Gene: PRKAR1A (protein kinase cAMP-dependent type I regulatory subunit alpha; plus strand). Cytogenetic location: 17q24.2.
Variant type: single nucleotide variant.
Coding change: c.670T>C on transcript NM_002734.5 (MANE Select); coding-DNA position 670, T replaced by C.
Protein change: p.Trp224Arg; replaces tryptophan 224 with arginine.
Molecular consequence: missense variant.
Genome position (GRCh38, 1-based): chr17:68,525,874, T>C. VCF-style: chr17-68525874-T-C. GRCh37 (hg19) VCF-style: chr17-66522015-T-C.
Other names: c.670T>C, p.Trp224Arg (NM_001276289.2, NM_001276290.1, NM_001278433.2 and 4 more transcripts); short protein forms W224R.
Identifiers: ClinVar variation 4535578 (VCV004535578.1).
Genomic context (GRCh38, chr17:68,525,874, plus strand): 5'-GCTTTGATTTATGGAACACCGAGAGCAGCCACTGTCAAAGCAAAGACAAATGTGAAATTG[T>C]GGGGCATCGACCGAGACAGCTATAGAAGAATCCTCATGGTAAGAGACCATGGTGTTTGAG-3'
Protein context (NP_002725.1, residues 214-234): TVKAKTNVKL[Trp224Arg]GIDRDSYRRI

ClinVar aggregate classification (germline): Uncertain significance (1 of 4 stars; one submission).

Submission:

Women's Health and Genetics/Laboratory Corporation of America, LabCorp
Classification: Uncertain significance. Last evaluated: 2025-09-11. Review status: criteria provided, single submitter. Criteria: LabCorp Variant Classification Summary - May 2015. Collection method: clinical testing. Allele origin: germline.
Comment: Variant summary: PRKAR1A c.670T>C (p.Trp224Arg) results in a non-conservative amino acid change in the encoded protein sequence. Algorithms developed to predict the effect of missense changes on protein structure and function all suggest that this variant is likely to be disruptive. The variant was absent in 251336 control chromosomes. The available data on variant occurrences in the general population are insufficient to allow any conclusion about variant significance. To our knowledge, no occurrence of c.670T>C in individuals affected with PRKAR1A-related conditions and no experimental evidence demonstrating its impact on protein function have been reported. No submitters have cited clinical-significance assessments for this variant to ClinVar. Based on the evidence outlined above, the variant was classified as uncertain significance.